The following is an entry in ClinVar:

NM_138691.3(TMC1):c.665G>A (p.Gly222Asp)

Gene: TMC1 (transmembrane channel like 1; plus strand). Cytogenetic location: 9q21.13.
Variant type: single nucleotide variant.
Coding change: c.665G>A on transcript NM_138691.3 (MANE Select); coding-DNA position 665, G replaced by A.
Protein change: p.Gly222Asp; replaces glycine 222 with aspartic acid.
Molecular consequence: missense variant.
Genome position (GRCh38, 1-based): chr9:72,754,808, G>A. VCF-style: chr9-72754808-G-A. GRCh37 (hg19) VCF-style: chr9-75369724-G-A.
Other names: short protein forms G222D.
Identifiers: ClinVar variation 3382002 (VCV003382002.3).
Genomic context (GRCh38, chr9:72,754,808, plus strand): 5'-TTCTAATTGTTCACTGCTTTCTTTGCTTCTTCATACAGTACCTCTGGGGTTTGCCATATG[G>A]CAGTTTACCTAGGAAAACCGTTCCCAGAGCCGAAGAGGCATCGGCAGCAAACTTTGGTGT-3'
Protein context (NP_619636.2, residues 212-232): LPEYLWGLPY[Gly222Asp]SLPRKTVPRA

ClinVar aggregate classification (germline): Conflicting classifications of pathogenicity. Review status: criteria provided, conflicting classifications (1 of 4 stars). 2 submissions from 2 submitters: Likely pathogenic (1); Uncertain significance (1). Last evaluated 2025-01-09.

Conditions:
Autosomal dominant nonsyndromic hearing loss 36. Identifiers: Orphanet 90635, MedGen C1847626, MONDO:0011708, OMIM 606705.
Autosomal recessive nonsyndromic hearing loss 7. Also called: DEAFNESS, AUTOSOMAL RECESSIVE 11. Identifiers: Orphanet 90636, MedGen C1832978, MONDO:0010967, OMIM 600974.

Submissions (2):

Institute of Rare Diseases, West China Hospital, Sichuan University
Classification: Likely pathogenic for Autosomal recessive nonsyndromic hearing loss 7. Last evaluated: 2025-01-09. Review status: criteria provided, single submitter. Criteria: ClinGen HL ACMG Specifications v1. Collection method: research. Allele origin: germline. Affected: yes.
Comment: PM3_Strong;PM2_Supporting;PP3

Juno Genomics, Hangzhou Juno Genomics, Inc
Classification: Uncertain significance for Autosomal dominant nonsyndromic hearing loss 36; Autosomal recessive nonsyndromic hearing loss 7. Review status: criteria provided, single submitter. Criteria: ACMG Guidelines, 2015. Collection method: clinical testing. Allele origin: germline. Affected: yes.
Comment: Absent from controls (or at extremely low frequency if recessive) in Genome Aggregation Database, Exome Sequencing Project, 1000 Genomes Project, or Exome Aggregation Consortium.